The following is an entry in ClinVar:

NM_001394372.1(BICRA):c.4315C>T (p.Leu1439=)

Gene: BICRA (BRD4 interacting chromatin remodeling complex associated protein; plus strand). Cytogenetic location: 19q13.33.
Variant type: single nucleotide variant.
Coding change: c.4315C>T on transcript NM_001394372.1 (MANE Select); coding-DNA position 4315, C replaced by T.
Protein change: p.Leu1439=; no amino-acid change (leucine 1439 retained).
Molecular consequence: synonymous variant.
Genome position (GRCh38, 1-based): chr19:47,702,047, C>T. VCF-style: chr19-47702047-C-T. GRCh37 (hg19) VCF-style: chr19-48205304-C-T.
Other names: c.4315C>T, p.Leu1439= (NM_015711.3).
Identifiers: ClinVar variation 2650189 (VCV002650189.24), dbSNP rs369242399, ClinGen allele CA9542395.
Genomic context (GRCh38, chr19:47,702,047, plus strand): 5'-GCCAAAGTGGACGAGGCCACCAGCGGGCTCATCCGCGAGCTGGCGGCCGTGGAGGACGAG[C>T]TGTACCAGCGTATGCTGAAGGGCCCCCCGCCAGAGCCCGCAGCCAGCGCCGCCCAAGGCA-3'
Protein context (NP_001381301.1, residues 1429-1449): IRELAAVEDE[Leu1439=]YQRMLKGPPP

ClinVar aggregate classification (germline): Likely benign (1 of 4 stars; one submission).

Allele frequency attached by ClinVar (database versions not stated): 1000 Genomes Project 30x 0.00016; ESP Exome Variant Server 0.00079; ExAC 0.00171; TOPMed 0.00079; gnomAD 0.00080.
gnomAD v4.1: 1,879 of 1,498,546 alleles (0.13%); highest among the groups gnomAD compares: Non-Finnish European, 0.15%; 5 homozygotes.

Submission:

CeGaT Center for Human Genetics Tuebingen
Classification: Likely benign. Last evaluated: 2024-10-01. Review status: criteria provided, single submitter. Criteria: CeGaT Center For Human Genetics Tuebingen Variant Classification Criteria Version 2. Collection method: clinical testing. Allele origin: germline. Affected: yes. Observed: 4 variant alleles.
Comment: BICRA: BP4, BP7